The following is an entry in ClinVar:

ClinVar aggregate classification (germline): Pathogenic/Likely pathogenic. Review status: criteria provided, multiple submitters, no conflicts (2 of 4 stars). 4 submissions from 4 submitters: Pathogenic (3); Likely pathogenic (1). Last evaluated 2026-02-11.

Conditions:
Hereditary cancer-predisposing syndrome. Also called: Hereditary Cancer Syndrome; Tumor predisposition; Neoplastic Syndromes, Hereditary; Hereditary neoplastic syndrome. Identifiers: Orphanet 140162, MedGen C0027672, MeSH D009386, MONDO:0015356.
Lynch syndrome 4 (LYNCH4). Also called: Colorectal cancer, hereditary nonpolyposis, type 4; Hereditary non-polyposis colorectal cancer, type 4. Identifiers: Orphanet 144, MedGen C1838333, MONDO:0013699, OMIM 614337. Disease mechanism: loss of function.
Hereditary nonpolyposis colorectal neoplasms. Identifiers: MedGen C0009405, MeSH D003123.

Submissions (4):

Ambry Genetics
Classification: Pathogenic for Hereditary cancer-predisposing syndrome. Last evaluated: 2026-02-11. Review status: criteria provided, single submitter. Criteria: Ambry Variant Classification Scheme 2023. Collection method: clinical testing. Allele origin: germline.
Comment: The p.Q604* pathogenic mutation (also known as c.1810C>T), located in coding exon 11 of the PMS2 gene, results from a C to T substitution at nucleotide position 1810. This changes the amino acid from a glutamine to a stop codon within coding exon 11. This variant is considered to be rare based on population cohorts in the Genome Aggregation Database (gnomAD). This alteration is expected to result in loss of function by premature protein truncation or nonsense-mediated mRNA decay. As such, this alteration is interpreted as a disease-causing mutation.

Labcorp Genetics (formerly Invitae), Labcorp
Classification: Pathogenic for Hereditary nonpolyposis colorectal neoplasms. Last evaluated: 2024-12-10. Review status: criteria provided, single submitter. Criteria: Invitae Variant Classification Sherloc (09022015). Collection method: clinical testing. Allele origin: germline.
Comment: This sequence change creates a premature translational stop signal (p.Gln604*) in the PMS2 gene. It is expected to result in an absent or disrupted protein product. Loss-of-function variants in PMS2 are known to be pathogenic (PMID: 21376568, 24362816). This variant is not present in population databases (gnomAD no frequency). This variant has not been reported in the literature in individuals affected with PMS2-related conditions. ClinVar contains an entry for this variant (Variation ID: 858883). For these reasons, this variant has been classified as Pathogenic.

Myriad Genetics, Inc.
Classification: Pathogenic for Lynch syndrome 4. Last evaluated: 2023-09-20. Review status: criteria provided, single submitter. Criteria: Myriad Autosomal Dominant, Autosomal Recessive and X-Linked Classification Criteria (2023). Collection method: clinical testing. Allele origin: unknown.
Comment: This variant is considered pathogenic. This variant creates a termination codon and is predicted to result in premature protein truncation.

Baylor Genetics
Classification: Likely pathogenic for Lynch syndrome 4. Last evaluated: 2023-05-08. Review status: criteria provided, single submitter. Criteria: ACMG Guidelines, 2015. Collection method: clinical testing. Allele origin: unknown.

Literature cited by the submitters: PubMed 21376568 (cited by Labcorp Genetics (formerly Invitae), Labcorp); PubMed 24362816 (cited by Labcorp Genetics (formerly Invitae), Labcorp).

NM_000535.7(PMS2):c.1810C>T (p.Gln604Ter)

Gene: PMS2 (PMS1 homolog 2, mismatch repair system component; minus strand). Cytogenetic location: 7p22.1.
Variant type: single nucleotide variant.
Coding change: c.1810C>T on transcript NM_000535.7 (MANE Select); coding-DNA position 1810, C replaced by T.
Protein change: p.Gln604Ter; replaces glutamine 604 with a stop codon.
Molecular consequence: nonsense. On other transcripts: non-coding transcript variant (1).
Genome position (GRCh38, 1-based): chr7:5,986,955, G>A on the plus strand (C>T on the coding strand, the complement: PMS2 is on the minus strand). VCF-style: chr7-5986955-G-A. GRCh37 (hg19) VCF-style: chr7-6026586-G-A.
Other names: c.1405C>T, p.Gln469Ter (NM_001322003.2, NM_001322004.2, NM_001322005.2 and 1 more transcripts); c.1654C>T, p.Gln552Ter (NM_001322006.2); c.1492C>T, p.Gln498Ter (NM_001322007.2, NM_001322008.2); c.1249C>T, p.Gln417Ter (NM_001322010.2); c.877C>T, p.Gln293Ter (NM_001322011.2, NM_001322012.2); c.1237C>T, p.Gln413Ter (NM_001322013.2); c.1810C>T, p.Gln604Ter (NM_001322014.2); c.1501C>T, p.Gln501Ter (NM_001322015.2); short protein forms Q293*, Q413*, Q417*, Q501*, Q552*, Q604*, Q498*, Q469*.
Identifiers: ClinVar variation 858883 (VCV000858883.10), dbSNP rs1064793426, ClinGen allele CA366739743.
Genomic context (GRCh38, chr7:5,986,955, plus strand): 5'-AACTCATAGAAAAGTCCAGGGGCACAACTTTCTTATTAATTTTCACAGCTACATCAACCT[G>A]AGAGGCTGACATGTCCTGAGTATTTACTAACTTTTGACAAATGTCAGAACTGGAAAGAAT-3'